The following is an entry in ClinVar:

ClinVar aggregate classification (germline): Uncertain significance. Review status: criteria provided, multiple submitters, no conflicts (2 of 4 stars). 2 submissions from 2 submitters: Uncertain significance (2). Last evaluated 2025-06-17.

Submissions (2):

Revvity Omics, Revvity
Classification: Uncertain significance. Last evaluated: 2025-06-17. Review status: criteria provided, single submitter. Criteria: ACMG Guidelines, 2015. Collection method: clinical testing. Allele origin: germline.

CeGaT Center for Human Genetics Tuebingen
Classification: Uncertain significance. Last evaluated: 2023-09-01. Review status: criteria provided, single submitter. Criteria: CeGaT Center For Human Genetics Tuebingen Variant Classification Criteria Version 2. Collection method: clinical testing. Allele origin: germline. Affected: yes. Observed: 1 variant allele.
Comment: FLNB: PM2

NM_001457.4(FLNB):c.7661C>A (p.Thr2554Asn)

Genes: FLNB (filamin B; plus strand), FLNB-AS1 (FLNB antisense RNA 1; minus strand). Cytogenetic location: 3p14.3.
Variant type: single nucleotide variant.
Coding change: c.7661C>A on transcript NM_001457.4 (MANE Select); coding-DNA position 7661, C replaced by A.
Protein change: p.Thr2554Asn; replaces threonine 2554 with asparagine.
Molecular consequence: missense variant. On other transcripts: non-coding transcript variant (1).
Genome position (GRCh38, 1-based): chr3:58,170,614, C>A. VCF-style: chr3-58170614-C-A. GRCh37 (hg19) VCF-style: chr3-58156341-C-A.
Other names: c.7754C>A, p.Thr2585Asn (NM_001164317.2); c.7628C>A, p.Thr2543Asn (NM_001164318.2); c.7589C>A, p.Thr2530Asn (NM_001164319.2); short protein forms T2530N, T2543N, T2554N, T2585N.
Identifiers: ClinVar variation 2653918 (VCV002653918.25), dbSNP rs1388779908, ClinGen allele CA353336150.
Genomic context (GRCh38, chr3:58,170,614, plus strand): 5'-TAACCACCTTTTGCCTCCTAGGCTCCAACATGCTGCTGATCGGGGTCCATGGGCCCACCA[C>A]CCCCTGCGAGGAGGTCTCCATGAAGCATGTAGGCAACCAGCAATACAACGTCACATACGT-3'
Protein context (NP_001448.2, residues 2544-2564): MLLIGVHGPT[Thr2554Asn]PCEEVSMKHV